The following is an entry in ClinVar:

ClinVar aggregate classification (germline): Uncertain significance. Review status: criteria provided, multiple submitters, no conflicts (2 of 4 stars). 2 submissions from 2 submitters: Uncertain significance (2). Last evaluated 2025-08-21.

Allele frequency attached by ClinVar (database versions not stated): gnomAD 0.00021; TOPMed 0.00022; ESP Exome Variant Server 0.00023; ExAC 0.00026; gnomAD exomes 0.00044.
gnomAD v4.1: 666 of 1,614,076 alleles (0.041%); highest among the groups gnomAD compares: Non-Finnish European, 0.053%; 1 homozygote.

Submissions (2):

Labcorp Genetics (formerly Invitae), Labcorp
Classification: Uncertain significance. Last evaluated: 2025-08-21. Review status: criteria provided, single submitter. Criteria: Invitae Variant Classification Sherloc (09022015). Collection method: clinical testing. Allele origin: germline.
Comment: This sequence change replaces tyrosine, which is neutral and polar, with histidine, which is basic and polar, at codon 220 of the SERPINB8 protein (p.Tyr220His). This variant is present in population databases (rs201264307, gnomAD 0.05%), and has an allele count higher than expected for a pathogenic variant. This variant has not been reported in the literature in individuals affected with SERPINB8-related conditions. ClinVar contains an entry for this variant (Variation ID: 2075683). Invitae Evidence Modeling of protein sequence and biophysical properties (such as structural, functional, and spatial information, amino acid conservation, physicochemical variation, residue mobility, and thermodynamic stability) indicates that this missense variant is expected to disrupt SERPINB8 protein function with a positive predictive value of 80%. In summary, the available evidence is currently insufficient to determine the role of this variant in disease. Therefore, it has been classified as a Variant of Uncertain Significance.

Ambry Genetics
Classification: Uncertain significance. Last evaluated: 2024-09-03. Review status: criteria provided, single submitter. Criteria: Ambry Variant Classification Scheme 2023. Collection method: clinical testing. Allele origin: germline.

NM_002640.4(SERPINB8):c.658T>C (p.Tyr220His)

Gene: SERPINB8 (serpin family B member 8; plus strand). Cytogenetic location: 18q22.1.
Variant type: single nucleotide variant.
Coding change: c.658T>C on transcript NM_002640.4 (MANE Select); coding-DNA position 658, T replaced by C.
Protein change: p.Tyr220His; replaces tyrosine 220 with histidine.
Molecular consequence: missense variant. On other transcripts: non-coding transcript variant (1).
Genome position (GRCh38, 1-based): chr18:63,985,183, T>C. VCF-style: chr18-63985183-T-C. GRCh37 (hg19) VCF-style: chr18-61652417-T-C.
Other names: c.658T>C, p.Tyr220His (NM_001031848.2, NM_001348367.2, NM_001348368.2 and 3 more transcripts); c.112T>C, p.Tyr38His (NM_001276490.2); c.118T>C, p.Tyr40His (NM_001348370.2); c.658T>C (NM_198833.1); short protein forms Y220H, Y38H, Y40H.
Identifiers: ClinVar variation 2075683 (VCV002075683.6), dbSNP rs201264307, ClinGen allele CA8990787.
Genomic context (GRCh38, chr18:63,985,183, plus strand): 5'-GAAGCTAAGTTTAAAATGGGGTATGCGGATGAGGTACACACCCAGGTCCTGGAGCTGCCC[T>C]ATGTGGAAGAGGAGCTGAGCATGGTCATTCTGCTTCCCGATGACAACACGGACCTCGCCG-3'
Protein context (NP_002631.3, residues 210-230): EVHTQVLELP[Tyr220His]VEEELSMVIL